The following is an entry in ClinVar:

NM_001110556.2(FLNA):c.1119C>A (p.Tyr373Ter)

Gene: FLNA (filamin A; minus strand). Cytogenetic location: Xq28.
Variant type: single nucleotide variant.
Coding change: c.1119C>A on transcript NM_001110556.2 (MANE Select); coding-DNA position 1119, C replaced by A.
Protein change: p.Tyr373Ter; replaces tyrosine 373 with a stop codon.
Molecular consequence: nonsense.
Genome position (GRCh38, 1-based): chrX:154,366,417, G>T on the plus strand (C>A on the coding strand, the complement: FLNA is on the minus strand). VCF-style: chrX-154366417-G-T. GRCh37 (hg19) VCF-style: chrX-153594785-G-T.
Other names: c.1119C>A, p.Tyr373Ter (NM_001456.4); short protein forms Y373*.
Identifiers: ClinVar variation 1810724 (VCV001810724.6), dbSNP rs782121971, ClinGen allele CA415246578.
Genomic context (GRCh38, chrX:154,366,417, plus strand): 5'-GGGCTCCAGGCCGGGACCTTGGGCTGTCACTTTGCTGGCGTCACCCTGTGACTTATCCAC[G>T]TACACCTCGAAGGGGCTCTTGGCGATGTGCTGGCCAGCAAAGAGCACAGTAACCTGTCCC-3'

ClinVar aggregate classification (germline): Pathogenic. Review status: criteria provided, multiple submitters, no conflicts (2 of 4 stars). 2 submissions from 2 submitters: Pathogenic (2). Last evaluated 2022-08-21.

Conditions:
Heterotopia, periventricular, X-linked dominant (PVNH1). Also called: PERIVENTRICULAR NODULAR HETEROTOPIA 4; HETEROTOPIA, PERIVENTRICULAR, 1; PERIVENTRICULAR NODULAR HETEROTOPIA 1; X-linked periventricular heterotopia. Identifiers: Orphanet 2149, Orphanet 82004, MedGen C1848213, MONDO:0010233, OMIM 300049.
Melnick-Needles syndrome (MNS). Also called: Melnick-Needles Syndrome (FLNA-MNS); MELNICK-NEEDLES OSTEODYSPLASTY; OSTEODYSPLASTY OF MELNICK AND NEEDLES. Identifiers: Orphanet 2484, MedGen C0025237, MONDO:0010650, OMIM 309350.
Frontometaphyseal dysplasia (FMD1). Identifiers: Orphanet 1826, MedGen C0265293, MONDO:0015942.
Oto-palato-digital syndrome, type II (OPD2). Also called: Otopalatodigital Syndrome Type 2 (FLNA-OPD2); FACIOPALATOOSSEOUS SYNDROME; OPD II SYNDROME; Otopalatodigital Syndrome, Type II. Identifiers: Orphanet 669, Orphanet 90652, MedGen C1844696, MONDO:0010571, OMIM 304120.

Submissions (2):

Labcorp Genetics (formerly Invitae), Labcorp
Classification: Pathogenic for Oto-palato-digital syndrome, type II; Heterotopia, periventricular, X-linked dominant; Frontometaphyseal dysplasia; Melnick-Needles syndrome. Last evaluated: 2022-08-21. Review status: criteria provided, single submitter. Criteria: Invitae Variant Classification Sherloc (09022015). Collection method: clinical testing. Allele origin: germline.
Comment: For these reasons, this variant has been classified as Pathogenic. This variant has not been reported in the literature in individuals affected with FLNA-related conditions. This variant is not present in population databases (gnomAD no frequency). This sequence change creates a premature translational stop signal (p.Tyr373*) in the FLNA gene. It is expected to result in an absent or disrupted protein product. Loss-of-function variants in FLNA are known to be pathogenic (PMID: 16684786, 20730588, 26471271).

GeneDx
Classification: Pathogenic. Last evaluated: 2022-07-07. Review status: criteria provided, single submitter. Criteria: GeneDx Variant Classification Process June 2021. Collection method: clinical testing. Allele origin: germline. Affected: yes.
Comment: Nonsense variant predicted to result in protein truncation or nonsense mediated decay in a gene for which loss of function is a known mechanism of disease; Not observed at significant frequency in large population cohorts (gnomAD); Has not been previously published as pathogenic or benign to our knowledge

Literature cited by the submitters: PubMed 16684786 (cited by Labcorp Genetics (formerly Invitae), Labcorp); PubMed 20730588 (cited by Labcorp Genetics (formerly Invitae), Labcorp); PubMed 26471271 (cited by Labcorp Genetics (formerly Invitae), Labcorp).